The following is an entry in ClinVar:

ClinVar aggregate classification (germline): Uncertain significance. Review status: criteria provided, multiple submitters, no conflicts (2 of 4 stars). 2 submissions from 2 submitters: Uncertain significance (2). Last evaluated 2024-05-28.

Conditions:
Hereditary cancer-predisposing syndrome. Also called: Tumor predisposition; Hereditary Cancer Syndrome; Neoplastic Syndromes, Hereditary; Hereditary neoplastic syndrome. Identifiers: Orphanet 140162, MedGen C0027672, MeSH D009386, MONDO:0015356.

Allele frequency attached by ClinVar (database versions not stated): TOPMed below 0.00001; gnomAD 0.00001.
gnomAD v4.1: 1 of 1,612,328 alleles (0.000062%); highest among the groups gnomAD compares: African/African-American, 0.0013%; no homozygotes.

Submissions (2):

Labcorp Genetics (formerly Invitae), Labcorp
Classification: Uncertain significance. Last evaluated: 2024-05-28. Review status: criteria provided, single submitter. Criteria: Invitae Variant Classification Sherloc (09022015). Collection method: clinical testing. Allele origin: germline.
Comment: This sequence change replaces methionine, which is neutral and non-polar, with arginine, which is basic and polar, at codon 299 of the POLE protein (p.Met299Arg). This variant is present in population databases (no rsID available, gnomAD 0.01%). This variant has not been reported in the literature in individuals affected with POLE-related conditions. ClinVar contains an entry for this variant (Variation ID: 822858). Advanced modeling of protein sequence and biophysical properties (such as structural, functional, and spatial information, amino acid conservation, physicochemical variation, residue mobility, and thermodynamic stability) performed at Invitae indicates that this missense variant is expected to disrupt POLE protein function with a positive predictive value of 80%. In summary, the available evidence is currently insufficient to determine the role of this variant in disease. Therefore, it has been classified as a Variant of Uncertain Significance.

Ambry Genetics
Classification: Uncertain significance for Hereditary cancer-predisposing syndrome. Last evaluated: 2023-03-20. Review status: criteria provided, single submitter. Criteria: Ambry Variant Classification Scheme 2023. Collection method: clinical testing. Allele origin: germline.
Comment: The p.M299R variant (also known as c.896T>G), located in coding exon 9 of the POLE gene, results from a T to G substitution at nucleotide position 896. The methionine at codon 299 is replaced by arginine, an amino acid with similar properties. This amino acid position is highly conserved in available vertebrate species. In addition, this alteration is predicted to be deleterious by in silico analysis. Since supporting evidence is limited at this time, the clinical significance of this alteration remains unclear.

NM_006231.4(POLE):c.896T>G (p.Met299Arg)

Gene: POLE (DNA polymerase epsilon, catalytic subunit; minus strand). Cytogenetic location: 12q24.33.
Variant type: single nucleotide variant.
Coding change: c.896T>G on transcript NM_006231.4 (MANE Select); coding-DNA position 896, T replaced by G.
Protein change: p.Met299Arg; replaces methionine 299 with arginine.
Molecular consequence: missense variant.
Genome position (GRCh38, 1-based): chr12:132,676,559, A>C on the plus strand (T>G on the coding strand, the complement: POLE is on the minus strand). VCF-style: chr12-132676559-A-C. GRCh37 (hg19) VCF-style: chr12-133253145-A-C.
Other names: short protein forms M299R.
Identifiers: ClinVar variation 822858 (VCV000822858.7), dbSNP rs1300891010, ClinGen allele CA387364178.
Genomic context (GRCh38, chr12:132,676,559, plus strand): 5'-CAAGGTCCCCATCCCAGGAGCTTACTTCCCAGAAGCCACCTGCTCACCTGGCCATCGATC[A>C]TGTAGGAAATCATCATAATCTGGTCTGTCTCAGCATCAGGAAACTTGAGGGGCAGTTTGG-3'
Protein context (NP_006222.2, residues 289-309): ETDQIMMISY[Met299Arg]IDGQGYLITN